The following is an entry in ClinVar:

ClinVar aggregate classification (germline): Pathogenic. Review status: criteria provided, single submitter (1 of 4 stars). 2 submissions from 2 submitters: Pathogenic (1). 1 of the submissions does not count toward it. Last evaluated 2022-08-27.

Conditions:
Autosomal recessive Alport syndrome (ATS2). Also called: ALPORT SYNDROME 2, AUTOSOMAL RECESSIVE; COL4A3-Related Nephropathy; Alport syndrome type 2; COL4A4 Alport Syndrome and Thin Basement Membrane Nephropathy. Identifiers: Orphanet 63, Orphanet 88919, MedGen C4746745, MONDO:0008762, OMIM 203780.

Allele frequency attached by ClinVar (database versions not stated): gnomAD exomes below 0.00001.
gnomAD v4.1: 1 of 1,614,196 alleles (0.000062%); highest among the groups gnomAD compares: Non-Finnish European, 0.000085%; no homozygotes.

Submissions (2):

Labcorp Genetics (formerly Invitae), Labcorp
Classification: Pathogenic. Last evaluated: 2022-08-27. Review status: criteria provided, single submitter. Criteria: Invitae Variant Classification Sherloc (09022015). Collection method: clinical testing. Allele origin: germline.
Comment: For these reasons, this variant has been classified as Pathogenic. This variant disrupts a region of the COL4A4 protein in which other variant(s) (p.Arg1682Gln) have been determined to be pathogenic (PMID: 17216251, 26809805, 27859054). This suggests that this is a clinically significant region of the protein, and that variants that disrupt it are likely to be disease-causing. ClinVar contains an entry for this variant (Variation ID: 17408). This premature translational stop signal has been observed in individual(s) with Alport syndrome (PMID: 9792860). This variant is not present in population databases (gnomAD no frequency). This sequence change creates a premature translational stop signal (p.Cys1641*) in the COL4A4 gene. While this is not anticipated to result in nonsense mediated decay, it is expected to disrupt the last 50 amino acid(s) of the COL4A4 protein.

OMIM
Classification: Pathogenic for ALPORT SYNDROME 2, AUTOSOMAL RECESSIVE. Last evaluated: 1998-11-01. Review status: no assertion criteria provided. Collection method: literature only. Allele origin: germline. Not counted in ClinVar's aggregate classification.

Literature cited by the submitters: PubMed 17216251 (cited by Labcorp Genetics (formerly Invitae), Labcorp); PubMed 26809805 (cited by Labcorp Genetics (formerly Invitae), Labcorp); PubMed 27859054 (cited by Labcorp Genetics (formerly Invitae), Labcorp); PubMed 9792860 (cited by Labcorp Genetics (formerly Invitae), Labcorp and OMIM).

NM_000092.5(COL4A4):c.4923C>A (p.Cys1641Ter)

Gene: COL4A4 (collagen type IV alpha 4 chain; minus strand). Cytogenetic location: 2q36.3.
Variant type: single nucleotide variant.
Coding change: c.4923C>A on transcript NM_000092.5 (MANE Select); coding-DNA position 4923, C replaced by A.
Protein change: p.Cys1641Ter; replaces cysteine 1641 with a stop codon.
Molecular consequence: nonsense.
Genome position (GRCh38, 1-based): chr2:227,007,475, G>T on the plus strand (C>A on the coding strand, the complement: COL4A4 is on the minus strand). VCF-style: chr2-227007475-G-T. GRCh37 (hg19) VCF-style: chr2-227872191-G-T.
Other names: short protein forms C1641*.
Identifiers: ClinVar variation 17408 (VCV000017408.7), dbSNP rs121912862, ClinGen allele CA257922.